The following is an entry in ClinVar:

NM_006014.5(LAGE3):c.181C>T (p.His61Tyr)

Genes: LAGE3 (L antigen family member 3; minus strand), LOC130068876 (ATAC-STARR-seq lymphoblastoid silent region 21109; plus strand). Cytogenetic location: Xq28.
Variant type: single nucleotide variant.
Coding change: c.181C>T on transcript NM_006014.5 (MANE Select); coding-DNA position 181, C replaced by T.
Protein change: p.His61Tyr; replaces histidine 61 with tyrosine.
Molecular consequence: missense variant.
Genome position (GRCh38, 1-based): chrX:154,478,735, G>A on the plus strand (C>T on the coding strand, the complement: LAGE3 is on the minus strand). VCF-style: chrX-154478735-G-A. GRCh37 (hg19) VCF-style: chrX-153707074-G-A.
Other names: short protein forms H61Y.
Identifiers: ClinVar variation 2851403 (VCV002851403.3), dbSNP rs2523106677, ClinGen allele CA415193325.

ClinVar aggregate classification (germline): Uncertain significance (1 of 4 stars; one submission).

Allele frequency attached by ClinVar (database versions not stated): gnomAD exomes below 0.00001.

Submission:

Labcorp Genetics (formerly Invitae), Labcorp
Classification: Uncertain significance. Last evaluated: 2023-10-06. Review status: criteria provided, single submitter. Criteria: Invitae Variant Classification Sherloc (09022015). Collection method: clinical testing. Allele origin: germline.
Comment: This sequence change replaces histidine, which is basic and polar, with tyrosine, which is neutral and polar, at codon 61 of the LAGE3 protein (p.His61Tyr). This variant is not present in population databases (gnomAD no frequency). This variant has not been reported in the literature in individuals affected with LAGE3-related conditions. An algorithm developed to predict the effect of missense changes on protein structure and function (PolyPhen-2) suggests that this variant is likely to be tolerated. In summary, the available evidence is currently insufficient to determine the role of this variant in disease. Therefore, it has been classified as a Variant of Uncertain Significance.